The following is an entry in ClinVar:

NM_000324.3(RHAG):c.754C>T (p.Leu252Phe)

Gene: RHAG (Rh associated glycoprotein; minus strand). Cytogenetic location: 6p12.3.
Variant type: single nucleotide variant.
Coding change: c.754C>T on transcript NM_000324.3 (MANE Select); coding-DNA position 754, C replaced by T.
Protein change: p.Leu252Phe; replaces leucine 252 with phenylalanine.
Molecular consequence: missense variant.
Genome position (GRCh38, 1-based): chr6:49,614,740, G>A on the plus strand (C>T on the coding strand, the complement: RHAG is on the minus strand). VCF-style: chr6-49614740-G-A. GRCh37 (hg19) VCF-style: chr6-49582453-G-A.
Other names: short protein forms L252F.
Identifiers: ClinVar variation 4079869 (VCV004079869.2).

ClinVar aggregate classification (germline): Uncertain significance. Review status: criteria provided, multiple submitters, no conflicts (2 of 4 stars). 2 submissions from 2 submitters: Uncertain significance (2). Last evaluated 2026-02-12.

gnomAD v4.1: 1 of 1,614,094 alleles (0.000062%); highest among the groups gnomAD compares: Non-Finnish European, 0.000085%; no homozygotes.

Submissions (2):

GeneDx
Classification: Uncertain significance. Last evaluated: 2026-02-12. Review status: criteria provided, single submitter. Criteria: GeneDx Variant Classification Process June 2021. Collection method: clinical testing. Allele origin: germline.
Comment: Not observed at significant frequency in large population cohorts (gnomAD); In silico analysis supports that this missense variant has a deleterious effect on protein structure/function; Has not been previously published as pathogenic or benign to our knowledge

Revvity Omics, Revvity
Classification: Uncertain significance. Last evaluated: 2024-01-30. Review status: criteria provided, single submitter. Criteria: ACMG Guidelines, 2015. Collection method: clinical testing. Allele origin: germline.